The following is an entry in ClinVar:

ClinVar aggregate classification (germline): Uncertain significance (1 of 4 stars; one submission).

Submission:

Labcorp Genetics (formerly Invitae), Labcorp
Classification: Uncertain significance. Last evaluated: 2024-11-05. Review status: criteria provided, single submitter. Criteria: Invitae Variant Classification Sherloc (09022015). Collection method: clinical testing. Allele origin: germline.
Comment: This sequence change replaces proline, which is neutral and non-polar, with histidine, which is basic and polar, at codon 1230 of the COL27A1 protein (p.Pro1230His). This variant is present in population databases (rs386737838, gnomAD 0.007%). This variant has not been reported in the literature in individuals affected with COL27A1-related conditions. ClinVar contains an entry for this variant (Variation ID: 2199694). An algorithm developed to predict the effect of missense changes on protein structure and function (PolyPhen-2) suggests that this variant is likely to be disruptive. In summary, the available evidence is currently insufficient to determine the role of this variant in disease. Therefore, it has been classified as a Variant of Uncertain Significance.

NM_032888.4(COL27A1):c.3689_3690delinsAT (p.Pro1230His)

Gene: COL27A1 (collagen type XXVII alpha 1 chain; plus strand). Cytogenetic location: 9q32.
Variant type: Indel.
Coding change: c.3689_3690delinsAT on transcript NM_032888.4 (MANE Select); coding-DNA positions 3689 to 3690, CC replaced by AT.
Protein change: p.Pro1230His; replaces proline 1230 with histidine.
Molecular consequence: missense variant.
Genome position (GRCh38, 1-based): chr9:114,275,740-114,275,741, CC replaced by AT. VCF-style: chr9-114275740-CC-AT. GRCh37 (hg19) VCF-style: chr9-117038020-CC-AT.
Other names: short protein forms P1230H.
Identifiers: ClinVar variation 2199694 (VCV002199694.3), dbSNP rs386737838, ClinGen allele CA198653905.